The following is an entry in ClinVar:

ClinVar aggregate classification (germline): Conflicting classifications of pathogenicity. Review status: criteria provided, conflicting classifications (1 of 4 stars). 9 submissions from 9 submitters: Uncertain significance (5); Likely benign (1). 3 of the submissions do not count toward it. Last evaluated 2026-07-20.

Conditions:
TTN-related disorder. Also called: TTN-related condition; TTN-related disease; TTN-related disorders.
Myopathy, myofibrillar, 9, with early respiratory failure (MFM9). Also called: Hereditary myopathy with early respiratory failure; EDSTROM MYOPATHY; MYOPATHY, PROXIMAL, WITH EARLY RESPIRATORY MUSCLE INVOLVEMENT; Myopathy, distal, with early respiratory failure, autosomal dominant. Identifiers: Orphanet 178464, Orphanet 34521, MedGen C1863599, MONDO:0011362, OMIM 603689.
Autosomal recessive limb-girdle muscular dystrophy type 2J (LGMDR10). Also called: Limb-girdle muscular dystrophy, type 2J; MUSCULAR DYSTROPHY, LIMB-GIRDLE, AUTOSOMAL RECESSIVE 10. Identifiers: Orphanet 140922, MedGen C1837342, MONDO:0012127, OMIM 608807.
Early-onset myopathy with fatal cardiomyopathy (CMYO5). Also called: Salih Myopathy; CONGENITAL MYOPATHY 5 WITH CARDIOMYOPATHY. Identifiers: Orphanet 289377, MedGen C2673677, MONDO:0012714, OMIM 611705. Disease mechanism: loss of function.
Hypertrophic cardiomyopathy 9. Also called: Familial hypertrophic cardiomyopathy 9. Identifiers: MedGen C1861065, MONDO:0013412, OMIM 613765.
Dilated cardiomyopathy 1G (CMD1G). Identifiers: Orphanet 154, MedGen C1858763, MONDO:0011400, OMIM 604145.
Tibial muscular dystrophy (TMD). Also called: Tibial muscular dystrophy, tardive; UDD MYOPATHY; Udd Distal Myopathy – Tibial Muscular Dystrophy. Identifiers: Orphanet 609, MedGen C1838244, MONDO:0010870, OMIM 600334.

Allele frequency attached by ClinVar (database versions not stated): TOPMed 0.00008; gnomAD 0.00010.
gnomAD v4.1: 68 of 1,613,904 alleles (0.0042%); highest among the groups gnomAD compares: Middle Eastern, 0.033%; 1 homozygote.

Submissions (9):

PreventionGenetics, part of Exact Sciences
Classification: Uncertain significance for TTN-related condition. Last evaluated: 2026-07-20. Review status: criteria provided, single submitter. Criteria: ACMG Guidelines, 2015. Collection method: clinical testing. Allele origin: germline.
Comment: The TTN c.3469G>A variant is predicted to result in the amino acid substitution p.Val1157Ile. This variant has been reported in an individual with dilated cardiomyopathy; however, this individual also carried a pathogenic RBM20 variant which could explain the clinical feature (Table S1, Pugh et al. 2014. PubMed ID: 24503780). This variant is reported in 0.011% of alleles in individuals of European (Non-Finnish) descent in gnomAD. At this time, the clinical significance of this variant is uncertain due to the absence of conclusive functional and genetic evidence.

Revvity Omics, Revvity
Classification: Uncertain significance. Last evaluated: 2025-04-11. Review status: criteria provided, single submitter. Criteria: ACMG Guidelines, 2015. Collection method: clinical testing. Allele origin: germline.

Blueprint Genetics
Classification: Likely benign. Last evaluated: 2024-11-22. Review status: criteria provided, single submitter. Criteria: ACMG Guidelines, 2015. Collection method: clinical testing. Allele origin: germline.

Athena Diagnostics
Classification: Uncertain significance. Last evaluated: 2023-09-01. Review status: criteria provided, single submitter. Criteria: Athena Diagnostics Criteria. Collection method: clinical testing. Allele origin: unknown.
Comment: Available data are insufficient to determine the clinical significance of the variant at this time. The frequency of this variant in the general population is uninformative in assessment of its pathogenicity. This variant has been seen where an alternate explanation for disease was also identified, suggesting this variant may not cause disease. Computational tools predict that this variant is not damaging.

Fulgent Genetics
Classification: Uncertain significance for Tibial muscular dystrophy; Myopathy, myofibrillar, 9, with early respiratory failure; Dilated cardiomyopathy 1G; Autosomal recessive limb-girdle muscular dystrophy type 2J; Early-onset myopathy with fatal cardiomyopathy; Hypertrophic cardiomyopathy 9. Last evaluated: 2021-09-30. Review status: criteria provided, single submitter. Criteria: ACMG Guidelines, 2015. Collection method: clinical testing. Allele origin: unknown.

Laboratory for Molecular Medicine, Mass General Brigham Personalized Medicine
Classification: Uncertain significance. Last evaluated: 2012-02-23. Review status: criteria provided, single submitter. Criteria: LMM Criteria. Collection method: clinical testing. Allele origin: germline. Observed: 2 variant alleles.
Comment: This variant has also been identified i n 1/7020 European American chromosomes from a broad population by the NHLBI Exom e Sequencing Project (dbSNP rs149060322). Vali ne (Val) at position 1157 is moderately conserved in evolution (conserved in mam mals, chicken, frog, but not in zebrafish) and it is unclear if the change would impact the protein. Computational tools (AlignGVGD and SIFT) predict that a cha nge to isoleucine (Ile) will not impact the protein, though the accuracy of thes e tools is unknown. Additional information is needed to fully assess the clinica l significance of the Val1157Ile variant.

GeneDx
No classification provided. Last evaluated: 2013-03-01. Review status: no classification provided. Criteria: GeneDx Variant Classification (06012015). Collection method: clinical testing. Allele origin: germline. Affected: yes. Not counted in ClinVar's aggregate classification.
Comment: Missense variants in the TTN gene are considered 'unclassified' if they are not previously reported in the literature and do not have >1% frequency in the population to be considered a polymorphism. Research indicates that truncating mutations in the TTN gene are expected to account for approximately 25% of familial and 18% of sporadic idiopathic DCM; however, truncating variants in the TTN gene have been reported in approximately 3% of reported control alleles. There has been little investigation into non-truncating variants. (Herman D et al. Truncations of titin causing dilated cardiomyopathy. N Eng J Med 366:619-628, 2012) The variant is found in DCM panel(s).

Clinical Genetics DNA and cytogenetics Diagnostics Lab, Erasmus MC, Erasmus Medical Center
Classification: Uncertain significance. Review status: no assertion criteria provided. Collection method: clinical testing. Allele origin: germline. Affected: yes. Study: VKGL Data-share Consensus. Not counted in ClinVar's aggregate classification.

Clinical Genetics, Academic Medical Center
Classification: Uncertain significance. Review status: no assertion criteria provided. Collection method: clinical testing. Allele origin: germline. Affected: yes. Study: VKGL Data-share Consensus. Not counted in ClinVar's aggregate classification.

Literature cited by the submitters: PubMed 31983221 (cited by Athena Diagnostics); PubMed 24503780 (cited by Athena Diagnostics).

NM_001267550.2(TTN):c.3469G>A (p.Val1157Ile)

Gene: TTN (titin; minus strand). Cytogenetic location: 2q31.2.
Variant type: single nucleotide variant.
Coding change: c.3469G>A on transcript NM_001267550.2 (MANE Select); coding-DNA position 3469, G replaced by A.
Protein change: p.Val1157Ile; replaces valine 1157 with isoleucine.
Molecular consequence: missense variant.
Genome position (GRCh38, 1-based): chr2:178,781,175, C>T on the plus strand (G>A on the coding strand, the complement: TTN is on the minus strand). VCF-style: chr2-178781175-C-T. GRCh37 (hg19) VCF-style: chr2-179645902-C-T.
Other names: p.V1157I:GTT>ATT; c.3469G>A, p.Val1157Ile (NM_001256850.1, NM_133378.4, NM_133379.5); c.3331G>A, p.Val1111Ile (NM_003319.4, NM_133432.3, NM_133437.4); c.3469G>A (NM_001267550.1); short protein forms V1157I, V1111I.
Identifiers: ClinVar variation 46957 (VCV000046957.15), dbSNP rs397517566, ClinGen allele CA139627.
Genomic context (GRCh38, chr2:178,781,175, plus strand): 5'-ACTTACCTTCTTCAAGCAAGGAAGCAGATGCAGAAGTTTCTCCATGCTTATTGCGAACAA[C>T]AATAGTGTATTCTCCAGCATCATCAGCAAAAGTCATAGAAATCACCAGCTTGCATTCACC-3'
Protein context (NP_001254479.2, residues 1147-1167): FADDAGEYTI[Val1157Ile]VRNKHGETSA